The following is an entry in ClinVar:

NM_024496.4(IRF2BPL):c.2096C>A (p.Pro699His)

Gene: IRF2BPL (interferon regulatory factor 2 binding protein like; minus strand). Cytogenetic location: 14q24.3.
Variant type: single nucleotide variant.
Coding change: c.2096C>A on transcript NM_024496.4 (MANE Select); coding-DNA position 2096, C replaced by A.
Protein change: p.Pro699His; replaces proline 699 with histidine.
Molecular consequence: missense variant.
Genome position (GRCh38, 1-based): chr14:77,025,697, G>T on the plus strand (C>A on the coding strand, the complement: IRF2BPL is on the minus strand). VCF-style: chr14-77025697-G-T. GRCh37 (hg19) VCF-style: chr14-77492040-G-T.
Other names: short protein forms P699H.
Identifiers: ClinVar variation 1029896 (VCV001029896.1), dbSNP rs1395437297, ClinGen allele CA390487754.

ClinVar aggregate classification (germline): Uncertain significance (1 of 4 stars; one submission).

Conditions:
Neurodevelopmental disorder with regression, abnormal movements, loss of speech, and seizures. Identifiers: Orphanet 597623, MedGen C4748127, MONDO:0060759, OMIM 618088.

Submission:

Baylor Genetics
Classification: Uncertain significance for Neurodevelopmental disorder with regression, abnormal movements, loss of speech, and seizures. Last evaluated: 2020-06-03. Review status: criteria provided, single submitter. Criteria: ACMG Guidelines, 2015. Collection method: clinical testing. Allele origin: unknown. Affected: yes.
Comment: This variant was determined to be of uncertain significance according to ACMG Guidelines, 2015 [PMID:25741868].